The following is an entry in ClinVar:

ClinVar aggregate classification (germline): Likely pathogenic (1 of 4 stars; one submission).

Conditions:
LAMA2-related muscular dystrophy (LAMA2-RD). Also called: Laminin alpha 2-related dystrophy. Identifiers: MedGen C5679788, MONDO:0100228.

Submission:

Myriad Genetics, Inc.
Classification: Likely pathogenic for LAMA2-related muscular dystrophy. Last evaluated: 2019-02-17. Review status: criteria provided, single submitter. Criteria: Myriad Autosomal Dominant, Autosomal Recessive and X-Linked Classification Criteria (2023). Collection method: clinical testing. Allele origin: unknown.
Comment: NM_000426.3(LAMA2):c.424A>T(K142*) is expected to be pathogenic in the context of LAMA2-related muscular dystrophy. This variant is predicted to lead to an abnormal or absent protein product due to the creation of a premature termination codon in LAMA2, a gene where loss-of-function variants are known to be pathogenic. Please note: this variant was assessed in the context of healthy population screening.

NM_000426.4(LAMA2):c.424A>T (p.Lys142Ter)

Gene: LAMA2 (laminin subunit alpha 2; plus strand). Cytogenetic location: 6q22.33.
Variant type: single nucleotide variant.
Coding change: c.424A>T on transcript NM_000426.4 (MANE Select); coding-DNA position 424, A replaced by T.
Protein change: p.Lys142Ter; replaces lysine 142 with a stop codon.
Molecular consequence: nonsense.
Genome position (GRCh38, 1-based): chr6:129,098,200, A>T. VCF-style: chr6-129098200-A-T. GRCh37 (hg19) VCF-style: chr6-129419345-A-T.
Other names: c.424A>T, p.Lys142Ter (NM_001079823.2); short protein forms K142*.
Identifiers: ClinVar variation 983620 (VCV000983620.4), dbSNP rs1775300950, ClinGen allele CA365829099.